The following is an entry in ClinVar:

NM_000312.4(PROC):c.814C>T (p.Arg272Cys)

Gene: PROC (protein C, inactivator of coagulation factors Va and VIIIa; plus strand). Cytogenetic location: 2q14.3.
Variant type: single nucleotide variant.
Coding change: c.814C>T on transcript NM_000312.4 (MANE Select); coding-DNA position 814, C replaced by T.
Protein change: p.Arg272Cys; replaces arginine 272 with cysteine.
Molecular consequence: missense variant.
Genome position (GRCh38, 1-based): chr2:127,428,374, C>T. VCF-style: chr2-127428374-C-T. GRCh37 (hg19) VCF-style: chr2-128185950-C-T.
Other names: R230C; c.997C>T, p.Arg333Cys (NM_001375602.1); c.979C>T, p.Arg327Cys (NM_001375603.1); c.877C>T, p.Arg293Cys (NM_001375604.1); c.916C>T, p.Arg306Cys (NM_001375605.1); c.982C>T, p.Arg328Cys (NM_001375606.1); c.1000C>T, p.Arg334Cys (NM_001375607.1); c.757C>T, p.Arg253Cys (NM_001375608.1); and 3 more; short protein forms R272C, R253C, R264C, R270C, R293C, R306C, R327C, R328C.
Identifiers: ClinVar variation 671 (VCV000000671.14), dbSNP rs121918154, ClinGen allele CA114414.

ClinVar aggregate classification (germline): Pathogenic/Likely pathogenic. Review status: criteria provided, multiple submitters, no conflicts (2 of 4 stars). 6 submissions from 6 submitters: Pathogenic (2); Likely pathogenic (3). 1 of the submissions does not count toward it. Last evaluated 2026-04-23.

Conditions:
Thromboembolism. Identifiers: MedGen C0040038, HP:0001907.
Thrombophilia due to protein C deficiency, autosomal dominant. Also called: PROC DEFICIENCY, AUTOSOMAL DOMINANT; PROTEIN C DEFICIENCY, AUTOSOMAL DOMINANT. Identifiers: Orphanet 745, MedGen C2674321, MONDO:0008316, OMIM 176860. Disease mechanism: loss of function.

Allele frequency attached by ClinVar (database versions not stated): gnomAD 0.00004; ExAC 0.00002; TOPMed 0.00006.
gnomAD v4.1: 34 of 1,613,908 alleles (0.0021%); highest among the groups gnomAD compares: African/African-American, 0.0027%; no homozygotes.

Submissions (6):

GeneDx
Classification: Likely pathogenic. Last evaluated: 2026-04-23. Review status: criteria provided, single submitter. Criteria: GeneDx Variant Classification Process June 2021. Collection method: clinical testing. Allele origin: germline.
Comment: Not observed at significant frequency in large population cohorts (gnomAD); In silico analysis supports that this missense variant has a deleterious effect on protein structure/function; This variant is associated with the following publications: (PMID: 8093743, 38015884, 35231991, 31064749, 37647632, 31254973, 1868249, 22627591, 27838551, 34234248, 32623564, 34708097)

Labcorp Genetics (formerly Invitae), Labcorp
Classification: Pathogenic for Thrombophilia due to protein C deficiency, autosomal dominant. Last evaluated: 2026-01-30. Review status: criteria provided, single submitter. Criteria: Invitae Variant Classification Sherloc (09022015). Collection method: clinical testing. Allele origin: germline.
Comment: This sequence change replaces arginine, which is basic and polar, with cysteine, which is neutral and slightly polar, at codon 272 of the PROC protein (p.Arg272Cys). This variant is present in population databases (rs121918154, gnomAD 0.004%). This missense change has been observed in individual(s) with clinical features of protein C deficiency type 1 (PMID: 1868249, 8093743, 22627591, 31064749). It has also been observed to segregate with disease in related individuals. This variant is also known as Arg230Cys. ClinVar contains an entry for this variant (Variation ID: 671). Invitae Evidence Modeling of protein sequence and biophysical properties (such as structural, functional, and spatial information, amino acid conservation, physicochemical variation, residue mobility, and thermodynamic stability) indicates that this missense variant is expected to disrupt PROC protein function with a positive predictive value of 80%. For these reasons, this variant has been classified as Pathogenic.

Mayo Clinic Laboratories, Mayo Clinic
Classification: Pathogenic. Last evaluated: 2025-09-17. Review status: criteria provided, single submitter. Criteria: ACMG Guidelines, 2015. Collection method: clinical testing. Allele origin: germline. Observed: 3 variant alleles.
Comment: PP1, PM2_supporting, PS4_moderate

NIHR Bioresource Rare Diseases, University of Cambridge
Classification: Likely pathogenic for Thromboembolism. Last evaluated: 2019-02-01. Review status: criteria provided, single submitter. Criteria: ACMG Guidelines, 2015. Collection method: research. Allele origin: unknown. Affected: yes. Observed: 1 heterozygote. Study: ThromboGenomics.

ISTH-SSC Genomics in Thrombosis and Hemostasis, KU Leuven, Center for Molecular and Vascular Biology
Classification: Likely pathogenic for Thrombophilia due to protein C deficiency, autosomal dominant. Review status: criteria provided, single submitter. Criteria: ACMG Guidelines, 2015. Collection method: clinical testing. Allele origin: germline. Affected: yes. Observed: 2 heterozygotes. Clinical features observed: Cerebral venous thrombosis, Pulmonary embolism, Low protein C levels.
Comment: Submitted to GoldVariant by Kathleen Freson, Center for Molecular and Vascular Biology, Leuven, Belgium

OMIM
Classification: Pathogenic for THROMBOPHILIA DUE TO PROTEIN C DEFICIENCY, AUTOSOMAL DOMINANT. Last evaluated: 1993-01-16. Review status: no assertion criteria provided. Collection method: literature only. Allele origin: germline. Not counted in ClinVar's aggregate classification.

Literature cited by the submitters: PubMed 1868249 (cited by 3 submitters); PubMed 8093743 (cited by Labcorp Genetics (formerly Invitae), Labcorp and OMIM); PubMed 22627591 (cited by Labcorp Genetics (formerly Invitae), Labcorp and Mayo Clinic Laboratories, Mayo Clinic); PubMed 31064749 (cited by 3 submitters); PubMed 27838551 (cited by Mayo Clinic Laboratories, Mayo Clinic); PubMed 31821907 (cited by Mayo Clinic Laboratories, Mayo Clinic); PubMed 34708097 (cited by Mayo Clinic Laboratories, Mayo Clinic); PubMed 37647632 (cited by Mayo Clinic Laboratories, Mayo Clinic); PubMed 38015884 (cited by Mayo Clinic Laboratories, Mayo Clinic); PubMed 38641321 (cited by Mayo Clinic Laboratories, Mayo Clinic).